The following is an entry in ClinVar:

ClinVar aggregate classification (germline): Uncertain significance (1 of 4 stars; one submission).

Conditions:
ALG11-congenital disorder of glycosylation. Also called: CONGENITAL DISORDER OF GLYCOSYLATION, TYPE Ip; ALG11-CDG. Identifiers: Orphanet 280071, MedGen C3150913, MONDO:0013349, OMIM 613661.

Submission:

Labcorp Genetics (formerly Invitae), Labcorp
Classification: Uncertain significance for ALG11-congenital disorder of glycosylation. Last evaluated: 2022-08-07. Review status: criteria provided, single submitter. Criteria: Invitae Variant Classification Sherloc (09022015). Collection method: clinical testing. Allele origin: germline.
Comment: In summary, the available evidence is currently insufficient to determine the role of this variant in disease. Therefore, it has been classified as a Variant of Uncertain Significance. Algorithms developed to predict the effect of missense changes on protein structure and function are either unavailable or do not agree on the potential impact of this missense change (SIFT: "Deleterious"; PolyPhen-2: "Probably Damaging"; Align-GVGD: "Class C15"). This variant has not been reported in the literature in individuals affected with ALG11-related conditions. This variant is not present in population databases (gnomAD no frequency). This sequence change replaces aspartic acid, which is acidic and polar, with asparagine, which is neutral and polar, at codon 425 of the ALG11 protein (p.Asp425Asn).

NM_001004127.3(ALG11):c.1273G>A (p.Asp425Asn)

Genes: UTP14C (UTP14C small subunit processome component; plus strand), ALG11 (ALG11 alpha-1,2-mannosyltransferase; plus strand). Cytogenetic location: 13q14.3.
Variant type: single nucleotide variant.
Coding change: c.1273G>A on transcript NM_001004127.3 (MANE Select); coding-DNA position 1273, G replaced by A.
Protein change: p.Asp425Asn; replaces aspartic acid 425 with asparagine.
Molecular consequence: missense variant. On other transcripts: non-coding transcript variant (1), 5 prime UTR variant (1).
Genome position (GRCh38, 1-based): chr13:52,028,384, G>A. VCF-style: chr13-52028384-G-A. GRCh37 (hg19) VCF-style: chr13-52602520-G-A.
Other names: c.-421G>A (NM_021645.6); short protein forms D425N.
Identifiers: ClinVar variation 1715491 (VCV001715491.5), dbSNP rs2547345803, ClinGen allele CA388023715.